The following is an entry in ClinVar:

ClinVar aggregate classification (germline): Pathogenic (1 of 4 stars; one submission).

Submission:

Labcorp Genetics (formerly Invitae), Labcorp
Classification: Pathogenic. Last evaluated: 2023-06-16. Review status: criteria provided, single submitter. Criteria: Invitae Variant Classification Sherloc (09022015). Collection method: clinical testing. Allele origin: germline.
Comment: Experimental studies and prediction algorithms are not available or were not evaluated, and the functional significance of this variant is currently unknown. This variant results in an extension of the PAFAH1B1 protein. Other variant(s) that result in a similarly extended protein product (p.Asp401Thrfs*34) have been observed in individuals with PAFAH1B1-related disease (PMID: 17664403). This suggests that these extensions may be clinically significant. For these reasons, this variant has been classified as Pathogenic. This sequence change results in a frameshift in the PAFAH1B1 gene (p.Phe382Cysfs*46). While this is not anticipated to result in nonsense mediated decay, it is expected to disrupt the last 29 amino acid(s) of the PAFAH1B1 protein and extend the protein by 16 additional amino acid residues. This variant is not present in population databases (gnomAD no frequency). This frameshift has been observed in individual(s) with PAFAH1B1-related conditions (Invitae). In at least one individual the variant was observed to be de novo. ClinVar contains an entry for this variant (Variation ID: 2080895).

Literature cited by the submitters: PubMed 17664403.

NM_000430.4(PAFAH1B1):c.1145_1146del (p.Phe382fs)

Gene: PAFAH1B1 (platelet activating factor acetylhydrolase 1b regulatory subunit 1; plus strand). Cytogenetic location: 17p13.3.
Variant type: Deletion.
Coding change: c.1145_1146del on transcript NM_000430.4 (MANE Select); coding-DNA positions 1145 to 1146, 2 bases deleted (TT; older notation c.1145_1146delTT).
Protein change: p.Phe382fs; shifts the reading frame from phenylalanine 382.
Molecular consequence: frameshift variant.
Genome position (GRCh38, 1-based): chr17:2,680,306-2,680,307, TT deleted; deleting any 2 consecutive bases within chr17:2,680,305-2,680,307 gives the same sequence; the c. name uses the placement nearest the transcript's 3' end. VCF-style (leftmost placement, unchanged base first): chr17-2680304-CTT-C. GRCh37 (hg19) VCF-style: chr17-2583598-CTT-C.
Other names: short protein forms F382fs.
Identifiers: ClinVar variation 2080895 (VCV002080895.4), dbSNP rs2544121917, ClinGen allele CA2580092477.
Genomic context (GRCh38, chr17:2,680,304, plus strand): 5'-CCTACGCGTATGGGATTACAAGAACAAGCGATGCATGAAGACCCTCAATGCGCATGAACA[CTT>C]TGTTACCTCCTTGGGTATGTACGCCTCGCGAGGTCTCTGAACATTAGATTTTGGAGTGCC-3'